The following is an entry in ClinVar:

ClinVar aggregate classification (germline): Uncertain significance (1 of 4 stars; one submission).

Submission:

Dasa
Classification: Uncertain significance. Last evaluated: 2026-07-30. Review status: criteria provided, single submitter. Criteria: DASA Assertion Criteria. Collection method: clinical testing. Allele origin: germline.
Comment: NM_001035.3(RYR2):c.13073T>C (p.Leu4358Pro) is a missense variant that results in the substitution of leucine with proline. This variant is rare in population databases. Computational prediction algorithms are consistent with a deleterious effect. The currently available literature and clinical evidence are not sufficient to establish a definitive association between this variant and the reported condition. Therefore, this variant is classified as a variant of uncertain significance.

NM_001035.3(RYR2):c.13073T>C (p.Leu4358Pro)

Genes: RYR2 (ryanodine receptor 2; plus strand), LOC126806068 (BRD4-independent group 4 enhancer GRCh37_chr1:237947411-237948610; plus strand). Cytogenetic location: 1q43.
Variant type: single nucleotide variant.
Coding change: c.13073T>C on transcript NM_001035.3 (MANE Select); coding-DNA position 13073, T replaced by C.
Protein change: p.Leu4358Pro; replaces leucine 4358 with proline.
Molecular consequence: missense variant.
Genome position (GRCh38, 1-based): chr1:237,784,785, T>C. VCF-style: chr1-237784785-T-C. GRCh37 (hg19) VCF-style: chr1-237948085-T-C.
Other names: short protein forms L4358P.
Identifiers: ClinVar variation 5020975 (VCV005020975.1).